The following is an entry in ClinVar:

ClinVar aggregate classification (germline): Benign (1 of 4 stars; one submission).

Allele frequency attached by ClinVar (database versions not stated): 1000 Genomes Project 30x 0.10431; 1000 Genomes Project 0.10503; ExAC 0.15489; TOPMed 0.15526; gnomAD 0.16281; ESP Exome Variant Server 0.17561; gnomAD exomes 0.19849.

Submission:

Unidad de Genómica Garrahan, Hospital de Pediatría Garrahan
Classification: Benign. Last evaluated: 2024-01-24. Review status: criteria provided, single submitter. Criteria: ACMG Guidelines, 2015. Collection method: clinical testing. Allele origin: germline. Affected: no. Observed: 20 variant alleles.
Comment: This variant is classified as Benign based on local population frequency. This variant was detected in 23% of patients studied by a panel of primary immunodeficiencies. Number of patients: 20. Only high quality variants are reported.

NM_001040458.3(ERAP1):c.1045A>G (p.Met349Val)

Gene: ERAP1 (endoplasmic reticulum aminopeptidase 1; minus strand). Cytogenetic location: 5q15.
Variant type: single nucleotide variant.
Coding change: c.1045A>G on transcript NM_001040458.3 (MANE Select); coding-DNA position 1045, A replaced by G.
Protein change: p.Met349Val; replaces methionine 349 with valine.
Molecular consequence: missense variant.
Genome position (GRCh38, 1-based): chr5:96,793,832, T>C on the plus strand (A>G on the coding strand, the complement: ERAP1 is on the minus strand). VCF-style: chr5-96793832-T-C. GRCh37 (hg19) VCF-style: chr5-96129535-T-C.
Other names: c.1045A>G, p.Met349Val (NM_001198541.3, NM_001349244.2, NM_016442.5); short protein forms M349V.
Identifiers: ClinVar variation 2688496 (VCV002688496.2), dbSNP rs2287987, ClinGen allele CA3352381.